The following is an entry in ClinVar:

NM_000038.6(APC):c.3804_3806delinsG (p.Ile1269fs)

Gene: APC (APC regulator of Wnt signaling pathway; plus strand). Cytogenetic location: 5q22.2.
Variant type: Indel.
Coding change: c.3804_3806delinsG on transcript NM_000038.6 (MANE Select); coding-DNA positions 3804 to 3806, AAT replaced by G.
Protein change: p.Ile1269fs; shifts the reading frame from isoleucine 1269.
Molecular consequence: frameshift variant. On other transcripts: non-coding transcript variant (2).
Genome position (GRCh38, 1-based): chr5:112,839,398-112,839,400, AAT replaced by G. VCF-style: chr5-112839398-AAT-G. GRCh37 (hg19) VCF-style: chr5-112175095-AAT-G.
Other names: c.3804_3806delinsG, p.Ile1269fs (NM_001127510.3, NM_001354895.2, NM_001407450.1); c.3750_3752delinsG, p.Ile1251fs (NM_001127511.3); c.3858_3860delinsG, p.Ile1287fs (NM_001354896.2, NM_001407447.1, NM_001407448.1 and 1 more transcripts); c.3834_3836delinsG, p.Ile1279fs (NM_001354897.2); c.3729_3731delinsG, p.Ile1244fs (NM_001354898.2); c.3720_3722delinsG, p.Ile1241fs (NM_001354899.2); c.3681_3683delinsG, p.Ile1228fs (NM_001354900.2); c.3627_3629delinsG, p.Ile1210fs (NM_001354901.2, NM_001407453.1); and 11 more; short protein forms I1109fs, I1140fs, I1143fs, I1168fs, I1178fs, I1186fs, I1210fs, I1228fs.
Identifiers: ClinVar variation 2583910 (VCV002583910.2), dbSNP rs2533525835, ClinGen allele CA2582341536.

ClinVar aggregate classification (germline): Pathogenic (1 of 4 stars; one submission).

Conditions:
Familial adenomatous polyposis 1 (FAP1). Also called: FAMILIAL ADENOMATOUS POLYPOSIS 1, ATTENUATED; POLYPOSIS, ADENOMATOUS INTESTINAL. Identifiers: MedGen C2713442, MONDO:0021056, OMIM 175100. Disease mechanism: loss of function.

Submission:

Myriad Genetics, Inc.
Classification: Pathogenic for Familial adenomatous polyposis 1. Last evaluated: 2023-05-09. Review status: criteria provided, single submitter. Criteria: Myriad Autosomal Dominant, Autosomal Recessive and X-Linked Classification Criteria (2023). Collection method: clinical testing. Allele origin: unknown.
Comment: This variant is considered pathogenic. This variant creates a frameshift predicted to result in premature protein truncation.